The following is an entry in ClinVar:

NM_152594.3(SPRED1):c.832T>A (p.Ser278Thr)

Gene: SPRED1 (sprouty related EVH1 domain containing 1; plus strand). Cytogenetic location: 15q14.
Variant type: single nucleotide variant.
Coding change: c.832T>A on transcript NM_152594.3 (MANE Select); coding-DNA position 832, T replaced by A.
Protein change: p.Ser278Thr; replaces serine 278 with threonine.
Molecular consequence: missense variant.
Genome position (GRCh38, 1-based): chr15:38,351,161, T>A. VCF-style: chr15-38351161-T-A. GRCh37 (hg19) VCF-style: chr15-38643362-T-A.
Other names: short protein forms S278T.
Identifiers: ClinVar variation 4615036 (VCV004615036.1).

ClinVar aggregate classification (germline): Uncertain significance (1 of 4 stars; one submission).

Conditions:
Cardiovascular phenotype. Identifiers: MedGen CN230736.

Submission:

Ambry Genetics
Classification: Uncertain significance for Cardiovascular phenotype. Last evaluated: 2025-11-23. Review status: criteria provided, single submitter. Criteria: Ambry Variant Classification Scheme 2023. Collection method: clinical testing. Allele origin: germline.
Comment: The p.S278T variant (also known as c.832T>A), located in coding exon 7 of the SPRED1 gene, results from a T to A substitution at nucleotide position 832. The serine at codon 278 is replaced by threonine, an amino acid with similar properties. This amino acid position is conserved. In addition, this alteration is predicted to be tolerated by in silico analysis. Based on the available evidence, the clinical significance of this variant remains unclear.